The following is an entry in ClinVar:

NM_001130144.3(LTBP3):c.1315C>T (p.Arg439Trp)

Gene: LTBP3 (latent transforming growth factor beta binding protein 3; minus strand). Cytogenetic location: 11q13.1.
Variant type: single nucleotide variant.
Coding change: c.1315C>T on transcript NM_001130144.3 (MANE Select); coding-DNA position 1315, C replaced by T.
Protein change: p.Arg439Trp; replaces arginine 439 with tryptophan.
Molecular consequence: missense variant.
Genome position (GRCh38, 1-based): chr11:65,552,278, G>A on the plus strand (C>T on the coding strand, the complement: LTBP3 is on the minus strand). VCF-style: chr11-65552278-G-A. GRCh37 (hg19) VCF-style: chr11-65319749-G-A.
Other names: c.964C>T, p.Arg322Trp (NM_001164266.1); c.1315C>T, p.Arg439Trp (NM_021070.4); short protein forms R439W, R322W.
Identifiers: ClinVar variation 1360769 (VCV001360769.8), dbSNP rs753093986, ClinGen allele CA6101011.
Genomic context (GRCh38, chr11:65,552,278, plus strand): 5'-AACCCCTATCCCCGGGTAACCCTGACTCACCGGTGCCATCTGTTGGGCAGCGCTGACACC[G>A]CGCGCCCCAGGCCTTGCCGACACTGCAGCAGCAGAGCTGGCGGGTCAGGCGGGTGGTCAG-3'
Protein context (NP_001123616.1, residues 429-449): CCSVGKAWGA[Arg439Trp]CQRCPTDGTA

ClinVar aggregate classification (germline): Uncertain significance. Review status: criteria provided, multiple submitters, no conflicts (2 of 4 stars). 2 submissions from 2 submitters: Uncertain significance (2). Last evaluated 2025-11-23.

Conditions:
Inborn genetic diseases. Identifiers: MedGen C0950123, MeSH D030342.
Brachyolmia-amelogenesis imperfecta syndrome. Also called: Tooth agenesis, selective, 6; Dental anomalies and short stature; PLATYSPONDYLY WITH AMELOGENESIS IMPERFECTA. Identifiers: Orphanet 2899, MedGen C1832594, MONDO:0011018, OMIM 601216. Disease mechanism: loss of function.

Allele frequency attached by ClinVar (database versions not stated): gnomAD exomes 0.00001 and 0.00002; ExAC 0.00002.

Submissions (2):

Labcorp Genetics (formerly Invitae), Labcorp
Classification: Uncertain significance for Brachyolmia-amelogenesis imperfecta syndrome. Last evaluated: 2025-11-23. Review status: criteria provided, single submitter. Criteria: Invitae Variant Classification Sherloc (09022015). Collection method: clinical testing. Allele origin: germline.
Comment: This sequence change replaces arginine, which is basic and polar, with tryptophan, which is neutral and slightly polar, at codon 439 of the LTBP3 protein (p.Arg439Trp). This variant is present in population databases (rs753093986, gnomAD 0.02%). This variant has not been reported in the literature in individuals affected with LTBP3-related conditions. ClinVar contains an entry for this variant (Variation ID: 1360769). An algorithm developed to predict the effect of missense changes on protein structure and function (PolyPhen-2) suggests that this variant is likely to be disruptive. In summary, the available evidence is currently insufficient to determine the role of this variant in disease. Therefore, it has been classified as a Variant of Uncertain Significance.

Ambry Genetics
Classification: Uncertain significance for Inborn genetic diseases. Last evaluated: 2022-05-09. Review status: criteria provided, single submitter. Criteria: Ambry Variant Classification Scheme 2023. Collection method: clinical testing. Allele origin: germline.
Comment: The p.R439W variant (also known as c.1315C>T), located in coding exon 7 of the LTBP3 gene, results from a C to T substitution at nucleotide position 1315. The arginine at codon 439 is replaced by tryptophan, an amino acid with dissimilar properties. This amino acid position is conserved. In addition, the in silico prediction for this alteration is inconclusive. Since supporting evidence is limited at this time, the clinical significance of this alteration remains unclear.